The following is an entry in ClinVar:

ClinVar aggregate classification (germline): Uncertain significance. Review status: criteria provided, multiple submitters, no conflicts (2 of 4 stars). 2 submissions from 2 submitters: Uncertain significance (2). Last evaluated 2026-02-02.

Conditions:
PRPF3-related disorder. Also called: PRPF3-related condition.

Allele frequency attached by ClinVar (database versions not stated): TOPMed 0.00002.
gnomAD v4.1: 40 of 1,614,018 alleles (0.0025%); highest among the groups gnomAD compares: Non-Finnish European, 0.0034%; no homozygotes.

Submissions (2):

PreventionGenetics, part of Exact Sciences
Classification: Uncertain significance for PRPF3-related condition. Last evaluated: 2026-02-02. Review status: criteria provided, single submitter. Criteria: ACMG Guidelines, 2015. Collection method: clinical testing. Allele origin: germline.
Comment: The PRPF3 c.926C>T variant is predicted to result in the amino acid substitution p.Thr309Ile. To our knowledge, this variant has not been reported in the literature or in a large population database (gnomAD), indicating this variant is rare. At this time, the clinical significance of this variant is uncertain due to the absence of conclusive functional and genetic evidence.

Labcorp Genetics (formerly Invitae), Labcorp
Classification: Uncertain significance. Last evaluated: 2019-11-23. Review status: criteria provided, single submitter. Criteria: Invitae Variant Classification Sherloc (09022015). Collection method: clinical testing. Allele origin: germline.
Comment: In summary, the available evidence is currently insufficient to determine the role of this variant in disease. Therefore, it has been classified as a Variant of Uncertain Significance. Algorithms developed to predict the effect of missense changes on protein structure and function (SIFT, PolyPhen-2, Align-GVGD) all suggest that this variant is likely to be tolerated, but these predictions have not been confirmed by published functional studies and their clinical significance is uncertain. This variant has not been reported in the literature in individuals with PRPF3-related conditions. This variant is not present in population databases (ExAC no frequency). This sequence change replaces threonine with isoleucine at codon 309 of the PRPF3 protein (p.Thr309Ile). The threonine residue is moderately conserved and there is a moderate physicochemical difference between threonine and isoleucine.

NM_004698.4(PRPF3):c.926C>T (p.Thr309Ile)

Gene: PRPF3 (pre-mRNA processing factor 3; plus strand). Cytogenetic location: 1q21.2.
Variant type: single nucleotide variant.
Coding change: c.926C>T on transcript NM_004698.4 (MANE Select); coding-DNA position 926, C replaced by T.
Protein change: p.Thr309Ile; replaces threonine 309 with isoleucine.
Molecular consequence: missense variant. On other transcripts: non-coding transcript variant (4).
Genome position (GRCh38, 1-based): chr1:150,335,132, C>T. VCF-style: chr1-150335132-C-T. GRCh37 (hg19) VCF-style: chr1-150307603-C-T.
Other names: c.521C>T, p.Thr174Ile (NM_001350529.1); short protein forms T174I, T309I.
Identifiers: ClinVar variation 862829 (VCV000862829.10), dbSNP rs782644120, ClinGen allele CA342294511.